The following is an entry in ClinVar:

NM_138477.4(CDAN1):c.1867C>T (p.Arg623Trp)

Gene: CDAN1 (codanin 1; minus strand). Cytogenetic location: 15q15.2.
Variant type: single nucleotide variant.
Coding change: c.1867C>T on transcript NM_138477.4 (MANE Select); coding-DNA position 1867, C replaced by T.
Protein change: p.Arg623Trp; replaces arginine 623 with tryptophan.
Molecular consequence: missense variant.
Genome position (GRCh38, 1-based): chr15:42,731,065, G>A on the plus strand (C>T on the coding strand, the complement: CDAN1 is on the minus strand). VCF-style: chr15-42731065-G-A. GRCh37 (hg19) VCF-style: chr15-43023263-G-A.
Other names: p.Arg623Trp; short protein forms R623W.
Identifiers: ClinVar variation 1693636 (VCV001693636.12), dbSNP rs141007889, ClinGen allele CA7515888.

ClinVar aggregate classification (germline): Uncertain significance. Review status: criteria provided, multiple submitters, no conflicts (2 of 4 stars). 5 submissions from 5 submitters: Uncertain significance (5). Last evaluated 2025-07-31.

Allele frequency attached by ClinVar (database versions not stated): gnomAD 0.00001; gnomAD exomes 0.00001 and 0.00002; ExAC 0.00002; ESP Exome Variant Server 0.00008.
gnomAD v4.1: 27 of 1,614,042 alleles (0.0017%); highest among the groups gnomAD compares: East Asian, 0.0045%; no homozygotes.

Submissions (5):

Labcorp Genetics (formerly Invitae), Labcorp
Classification: Uncertain significance. Last evaluated: 2025-07-31. Review status: criteria provided, single submitter. Criteria: Invitae Variant Classification Sherloc (09022015). Collection method: clinical testing. Allele origin: germline.
Comment: This sequence change replaces arginine, which is basic and polar, with tryptophan, which is neutral and slightly polar, at codon 623 of the CDAN1 protein (p.Arg623Trp). This variant is present in population databases (rs141007889, gnomAD 0.01%). This missense change has been observed in individual(s) with clinical features of congenital dyserythropoietic anemia (PMID: 29901818, 37432431; internal data). In at least one individual the data is consistent with being in trans (on the opposite chromosome) from a pathogenic variant. ClinVar contains an entry for this variant (Variation ID: 1693636). An algorithm developed to predict the effect of missense changes on protein structure and function (PolyPhen-2) suggests that this variant is likely to be disruptive. Algorithms developed to predict the effect of sequence changes on RNA splicing suggest that this variant may disrupt the consensus splice site. In summary, the available evidence is currently insufficient to determine the role of this variant in disease. Therefore, it has been classified as a Variant of Uncertain Significance.

Women's Health and Genetics/Laboratory Corporation of America, LabCorp
Classification: Uncertain significance. Last evaluated: 2023-11-01. Review status: criteria provided, single submitter. Criteria: LabCorp Variant Classification Summary - May 2015. Collection method: clinical testing. Allele origin: germline.
Comment: Variant summary: CDAN1 c.1867C>T (p.Arg623Trp) results in a non-conservative amino acid change in the encoded protein sequence. Five of five in-silico tools predict a damaging effect of the variant on protein function. The variant allele was found at a frequency of 1.2e-05 in 251482 control chromosomes (gnomAD). The available data on variant occurrences in the general population are insufficient to allow any conclusion about variant significance. c.1867C>T has been reported in the literature in at-least one individual affected with Congenital dyserythropoietic anemias (example: Moreno-Carralero_2018). These data do not allow any conclusion about variant significance. To our knowledge, no experimental evidence demonstrating an impact on protein function has been reported. The following publications have been ascertained in the context of this evaluation (PMID: 37432431, 29901818). Three submitters have cited clinical-significance assessments for this variant to ClinVar after 2014. All submitters classified the variant as uncertain significance. Based on the evidence outlined above, the variant was classified as uncertain significance.

Blueprint Genetics
Classification: Uncertain significance. Last evaluated: 2023-09-11. Review status: criteria provided, single submitter. Criteria: ACMG Guidelines, 2015. Collection method: clinical testing. Allele origin: germline.

Athena Diagnostics
Classification: Uncertain significance. Last evaluated: 2021-11-30. Review status: criteria provided, single submitter. Criteria: Athena Diagnostics Criteria. Collection method: clinical testing. Allele origin: unknown.
Comment: This observation is not an independent occurrence and has been identified in the same individual by RCIGM, the other laboratory participating in the GEMINI study.

Mayo Clinic Laboratories, Mayo Clinic
Classification: Uncertain significance. Last evaluated: 2021-10-26. Review status: criteria provided, single submitter. Criteria: ACMG Guidelines, 2015. Collection method: clinical testing. Allele origin: germline.

Literature cited by the submitters: PubMed 29901818 (cited by Labcorp Genetics (formerly Invitae), Labcorp and Women's Health and Genetics/Laboratory Corporation of America, LabCorp); PubMed 37432431 (cited by Labcorp Genetics (formerly Invitae), Labcorp and Women's Health and Genetics/Laboratory Corporation of America, LabCorp).